The following is an entry in ClinVar:

ClinVar aggregate classification (germline): Benign/Likely benign. Review status: criteria provided, multiple submitters, no conflicts (2 of 4 stars). 2 submissions from 2 submitters: Benign (1); Likely benign (1). Last evaluated 2025-11-01.

Allele frequency attached by ClinVar (database versions not stated): gnomAD exomes 0.00010; ExAC 0.00026; ESP Exome Variant Server 0.00031; 1000 Genomes Project 0.00040; 1000 Genomes Project 30x 0.00047; gnomAD 0.00070; TOPMed 0.00074.

Submissions (2):

CeGaT Center for Human Genetics Tuebingen
Classification: Likely benign. Last evaluated: 2025-11-01. Review status: criteria provided, single submitter. Criteria: CeGaT Center For Human Genetics Tuebingen Variant Classification Criteria Version 2. Collection method: clinical testing. Allele origin: germline. Affected: yes. Observed: 1 variant allele.
Comment: ZMIZ1: BP4, BP7

Labcorp Genetics (formerly Invitae), Labcorp
Classification: Benign. Last evaluated: 2025-10-17. Review status: criteria provided, single submitter. Criteria: Invitae Variant Classification Sherloc (09022015). Collection method: clinical testing. Allele origin: germline.

NM_020338.4(ZMIZ1):c.1116G>A (p.Pro372=)

Gene: ZMIZ1 (zinc finger MIZ-type containing 1; plus strand). Cytogenetic location: 10q22.3.
Variant type: single nucleotide variant.
Coding change: c.1116G>A on transcript NM_020338.4 (MANE Select); coding-DNA position 1116, G replaced by A.
Protein change: p.Pro372=; no amino-acid change (proline 372 retained).
Molecular consequence: synonymous variant.
Genome position (GRCh38, 1-based): chr10:79,293,539, G>A. VCF-style: chr10-79293539-G-A. GRCh37 (hg19) VCF-style: chr10-81053296-G-A.
Identifiers: ClinVar variation 2070347 (VCV002070347.10), dbSNP rs138100226, ClinGen allele CA5572541.